The following is an entry in ClinVar:

NM_000217.3(KCNA1):c.1266A>C (p.Glu422Asp)

Gene: KCNA1 (potassium voltage-gated channel subfamily A member 1; plus strand). Cytogenetic location: 12p13.32.
Variant type: single nucleotide variant.
Coding change: c.1266A>C on transcript NM_000217.3 (MANE Select); coding-DNA position 1266, A replaced by C.
Protein change: p.Glu422Asp; replaces glutamic acid 422 with aspartic acid.
Molecular consequence: missense variant.
Genome position (GRCh38, 1-based): chr12:4,912,644, A>C. VCF-style: chr12-4912644-A-C. GRCh37 (hg19) VCF-style: chr12-5021810-A-C.
Other names: short protein forms E422D.
Identifiers: ClinVar variation 2131668 (VCV002131668.6), dbSNP rs1194572172, ClinGen allele CA383456400.
Genomic context (GRCh38, chr12:4,912,644, plus strand): 5'-GCCCGTACCTGTCATTGTGTCCAATTTCAACTATTTCTACCACCGAGAAACTGAGGGGGA[A>C]GAGCAGGCTCAGTTGCTCCACGTCAGTTCCCCTAACTTAGCCTCTGACAGTGACCTCAGT-3'
Protein context (NP_000208.2, residues 412-432): NYFYHRETEG[Glu422Asp]EQAQLLHVSS

ClinVar aggregate classification (germline): Uncertain significance. Review status: criteria provided, multiple submitters, no conflicts (2 of 4 stars). 2 submissions from 2 submitters: Uncertain significance (2). Last evaluated 2025-06-12.

Conditions:
Episodic ataxia type 1 (EA1). Also called: ATAXIA, EPISODIC, WITH MYOKYMIA; MYOKYMIA WITH PERIODIC ATAXIA; PAROXYSMAL ATAXIA WITH NEUROMYOTONIA, HEREDITARY; Episodic ataxia/myokymia syndrome. Identifiers: Orphanet 37612, Orphanet 972, MedGen C1719788, MONDO:0008047, OMIM 160120.

Submissions (2):

Labcorp Genetics (formerly Invitae), Labcorp
Classification: Uncertain significance for Episodic ataxia type 1. Last evaluated: 2025-06-12. Review status: criteria provided, single submitter. Criteria: Invitae Variant Classification Sherloc (09022015). Collection method: clinical testing. Allele origin: germline.
Comment: This sequence change replaces glutamic acid, which is acidic and polar, with aspartic acid, which is acidic and polar, at codon 422 of the KCNA1 protein (p.Glu422Asp). This variant is not present in population databases (gnomAD no frequency). This variant has not been reported in the literature in individuals affected with KCNA1-related conditions. ClinVar contains an entry for this variant (Variation ID: 2131668). Invitae Evidence Modeling of protein sequence and biophysical properties (such as structural, functional, and spatial information, amino acid conservation, physicochemical variation, residue mobility, and thermodynamic stability) indicates that this missense variant is not expected to disrupt KCNA1 protein function with a negative predictive value of 80%. In summary, the available evidence is currently insufficient to determine the role of this variant in disease. Therefore, it has been classified as a Variant of Uncertain Significance.

Dasa
Classification: Uncertain significance. Last evaluated: 2025-04-03. Review status: criteria provided, single submitter. Criteria: DASA Assertion Criteria. Collection method: clinical testing. Allele origin: germline.
Comment: NM_000217.3(KCNA1):c.1266A>C (p.Glu422Asp) is a missense variant that results in the substitution of glutamic acid with aspartic acid. This variant is absent from population databases. The currently available literature and clinical evidence are not sufficient to establish a definitive association between this variant and the reported condition. Therefore, this variant is classified as a variant of uncertain significance.